The following is an entry in ClinVar:

NM_004655.4(AXIN2):c.2379G>A (p.Glu793=)

Gene: AXIN2 (axin 2; minus strand). Cytogenetic location: 17q24.1.
Variant type: single nucleotide variant.
Coding change: c.2379G>A on transcript NM_004655.4 (MANE Select); coding-DNA position 2379, G replaced by A.
Protein change: p.Glu793=; no amino-acid change (glutamic acid 793 retained).
Molecular consequence: synonymous variant.
Genome position (GRCh38, 1-based): chr17:65,533,938, C>T on the plus strand (G>A on the coding strand, the complement: AXIN2 is on the minus strand). VCF-style: chr17-65533938-C-T. GRCh37 (hg19) VCF-style: chr17-63530056-C-T.
Other names: c.2184G>A, p.Glu728= (NM_001363813.1).
Identifiers: ClinVar variation 697462 (VCV000697462.17), dbSNP rs1367633896, ClinGen allele CA501475851.

ClinVar aggregate classification (germline): Conflicting classifications of pathogenicity. Review status: criteria provided, conflicting classifications (1 of 4 stars). 4 submissions from 4 submitters: Uncertain significance (1); Benign (1); Likely benign (2). Last evaluated 2026-01-27.

Conditions:
Oligodontia-cancer predisposition syndrome. Also called: TOOTH AGENESIS-COLORECTAL CANCER SYNDROME. Identifiers: Orphanet 300576, MedGen C1837750, MONDO:0012075, OMIM 608615. Disease mechanism: loss of function.
Hereditary cancer-predisposing syndrome. Also called: Neoplastic Syndromes, Hereditary; Hereditary Cancer Syndrome; Tumor predisposition; Hereditary neoplastic syndrome. Identifiers: Orphanet 140162, MedGen C0027672, MeSH D009386, MONDO:0015356.

Allele frequency attached by ClinVar (database versions not stated): gnomAD exomes 0.00001; TOPMed 0.00002; gnomAD 0.00003 and 0.00004.
gnomAD v4.1: 9 of 1,614,008 alleles (0.00056%); highest among the groups gnomAD compares: African/African-American, 0.0093%; no homozygotes.

Submissions (4):

Labcorp Genetics (formerly Invitae), Labcorp
Classification: Likely benign for Oligodontia-cancer predisposition syndrome. Last evaluated: 2026-01-27. Review status: criteria provided, single submitter. Criteria: Invitae Variant Classification Sherloc (09022015). Collection method: clinical testing. Allele origin: germline.

Myriad Genetics, Inc.
Classification: Benign for Oligodontia-cancer predisposition syndrome. Last evaluated: 2024-07-10. Review status: criteria provided, single submitter. Criteria: Myriad Autosomal Dominant, Autosomal Recessive and X-Linked Classification Criteria (2023). Collection method: clinical testing. Allele origin: unknown.
Comment: This variant is considered benign. This variant is a silent/synonymous amino acid change and it is not expected to impact splicing.

Sema4
Classification: Uncertain significance for Hereditary cancer-predisposing syndrome. Last evaluated: 2021-12-16. Review status: criteria provided, single submitter. Criteria: Sema4 Curation Guidelines. Collection method: curation. Allele origin: germline.
Comment: The AXIN2 c.2379G>A (p.Glu793=) variant has not been reported in the literature to our knowledge. It was observed in 2/251450 chromosomes among all subpopulations in the large and broad cohorts of the Genome Aggregation Database (PMID: 32461654). This variant has been reported in ClinVar (Variation ID 697462). The nucleotide is moderately conserved and in silico tools that predict the effect of sequence changes on splicing suggest that this variant may not impact splicing, though these predictions have not been confirmed by functional studies. The evidence is insufficient to meet ACMG/AMP criteria for classifying the variant as benign or pathogenic. Thus, the clinical significance of this variant is currently uncertain.

Ambry Genetics
Classification: Likely benign for Hereditary cancer-predisposing syndrome. Last evaluated: 2019-05-16. Review status: criteria provided, single submitter. Criteria: Ambry Variant Classification Scheme 2023. Collection method: clinical testing. Allele origin: germline.